The following is an entry in ClinVar:

NM_003001.5(SDHC):c.405G>A (p.Leu135=)

Gene: SDHC (succinate dehydrogenase complex subunit C; plus strand). Cytogenetic location: 1q23.3.
Variant type: single nucleotide variant.
Coding change: c.405G>A on transcript NM_003001.5 (MANE Select); coding-DNA position 405, G replaced by A.
Protein change: p.Leu135=; no amino-acid change (leucine 135 retained).
Molecular consequence: synonymous variant. On other transcripts: non-coding transcript variant (1), intron variant (3).
Genome position (GRCh38, 1-based): chr1:161,356,840, G>A. VCF-style: chr1-161356840-G-A. GRCh37 (hg19) VCF-style: chr1-161326630-G-A.
Other names: c.242-5489G>A (NM_001035511.3); c.140-5489G>A (NM_001278172.3); c.185-5489G>A (NM_001407121.1); c.342G>A, p.Leu114= (NM_001407117.1); c.297G>A, p.Leu99= (NM_001407118.1); c.294G>A, p.Leu98= (NM_001407119.1, NM_001407120.1); c.303G>A, p.Leu101= (NM_001035512.3); c.246G>A, p.Leu82= (NM_001035513.3); and 2 more.
Identifiers: ClinVar variation 4783187 (VCV004783187.1).
Genomic context (GRCh38, chr1:161,356,840, plus strand): 5'-AGCTAAGTTTGCACTTGTCTTCCCTCTCATGTATCATACCTGGAATGGGATCCGACACTT[G>A]GTAAGTTAATTCGGGATTTGCACATTTTCTCTGTGAAGGGAGTGGGGAGACTGGGAGGAT-3'
Protein context (NP_002992.1, residues 125-145): MYHTWNGIRH[Leu135=]MWDLGKGLKI

ClinVar aggregate classification (germline): Uncertain significance (1 of 4 stars; one submission).

Conditions:
Pheochromocytoma/paraganglioma syndrome 3. Also called: GLOMUS TUMORS, FAMILIAL, 3; Paragangliomas 3; SDHC-Related Hereditary Paraganglioma-Pheochromocytoma Syndrome (Paragangliomas 3); SDHC-Related Hereditary Paraganglioma-Pheochromocytoma Syndrome. Identifiers: Orphanet 29072, MedGen C1854336, MONDO:0011544, OMIM 605373.
Gastrointestinal stromal tumor. Also called: Gastrointestinal stroma tumor; Gastrointestinal stromal tumor, somatic. Identifiers: Orphanet 44890, MedGen C0238198, MeSH D046152, MONDO:0011719, OMIM 606764, HP:0100723.

Submission:

Labcorp Genetics (formerly Invitae), Labcorp
Classification: Uncertain significance for Pheochromocytoma/paraganglioma syndrome 3; Gastrointestinal stromal tumor. Last evaluated: 2025-03-19. Review status: criteria provided, single submitter. Criteria: Invitae Variant Classification Sherloc (09022015). Collection method: clinical testing. Allele origin: germline.
Comment: This sequence change affects codon 135 of the SDHC mRNA. It is a 'silent' change, meaning that it does not change the encoded amino acid sequence of the SDHC protein. This variant also falls at the last nucleotide of exon 5, which is part of the consensus splice site for this exon. This variant is not present in population databases (gnomAD no frequency). This variant has not been reported in the literature in individuals affected with SDHC-related conditions. Variants that disrupt the consensus splice site are a relatively common cause of aberrant splicing (PMID: 17576681, 9536098). Algorithms developed to predict the effect of sequence changes on RNA splicing suggest that this variant is not likely to affect RNA splicing. In summary, the available evidence is currently insufficient to determine the role of this variant in disease. Therefore, it has been classified as a Variant of Uncertain Significance.

Literature cited by the submitters: PubMed 17576681; PubMed 9536098.